The following is an entry in ClinVar:

ClinVar aggregate classification (germline): Benign. Review status: criteria provided, multiple submitters, no conflicts (2 of 4 stars). 10 submissions from 10 submitters: Benign (7). 3 of the submissions do not count toward it. Last evaluated 2026-02-04.

Conditions:
Bardet-Biedl syndrome (BBS). Identifiers: Orphanet 110, MedGen C0752166, MONDO:0015229.
Bardet-Biedl syndrome 12 (BBS12). Identifiers: Orphanet 110, MedGen C1859570, MONDO:0014440, OMIM 615989.

Allele frequency attached by ClinVar (database versions not stated): gnomAD exomes 0.02432 and 0.03349; ExAC 0.03759; gnomAD 0.09115 and 0.09713; 1000 Genomes Project 0.09265; 1000 Genomes Project 30x 0.10025; TOPMed 0.10368; ESP Exome Variant Server 0.10610.
gnomAD v4.1: 50,143 of 1,614,144 alleles (3.1%); highest among the groups gnomAD compares: African/African-American, 28%; 3,323 homozygotes.

Submissions (10):

Labcorp Genetics (formerly Invitae), Labcorp
Classification: Benign for Bardet-Biedl syndrome. Last evaluated: 2026-02-04. Review status: criteria provided, single submitter. Criteria: Invitae Variant Classification Sherloc (09022015). Collection method: clinical testing. Allele origin: germline.

Blueprint Genetics
Classification: Benign. Last evaluated: 2024-11-26. Review status: criteria provided, single submitter. Criteria: ACMG Guidelines, 2015. Collection method: clinical testing. Allele origin: germline.

Mayo Clinic Laboratories, Mayo Clinic
Classification: Benign. Last evaluated: 2023-01-09. Review status: criteria provided, single submitter. Criteria: ACMG Guidelines, 2015. Collection method: clinical testing. Allele origin: germline. Observed: 12 variant alleles.

GeneDx
Classification: Benign. Last evaluated: 2018-11-10. Review status: criteria provided, single submitter. Criteria: GeneDx Variant Classification Process June 2021. Collection method: clinical testing. Allele origin: germline. Affected: yes.

Illumina Laboratory Services, Illumina
Classification: Benign for Bardet-Biedl syndrome 12. Last evaluated: 2018-01-13. Review status: criteria provided, single submitter. Criteria: ICSL Variant Classification Criteria 13 December 2019. Collection method: clinical testing. Allele origin: germline.
Comment: This variant was observed in the ICSL laboratory as part of a predisposition screen in an ostensibly healthy population. It had not been previously curated by ICSL or reported in the Human Gene Mutation Database (HGMD: prior to June 1st, 2018), and was therefore a candidate for classification through an automated scoring system. Utilizing variant allele frequency, disease prevalence and penetrance estimates, and inheritance mode, an automated score was calculated to assess if this variant is too frequent to cause the disease. Based on the score and internal cut-off values, a variant classified as benign is not then subjected to further curation. The score for this variant resulted in a classification of benign for this disease.

Breakthrough Genomics
Classification: Benign. Review status: criteria provided, single submitter. Criteria: ACMG Guidelines, 2015. Collection method: not provided. Allele origin: germline. Inheritance: Autosomal recessive inheritance. Affected: yes.

PreventionGenetics, part of Exact Sciences
Classification: Benign. Review status: criteria provided, single submitter. Criteria: ACMG Guidelines, 2015. Collection method: clinical testing. Allele origin: germline.

Natera, Inc.
Classification: Benign for Bardet-Biedl syndrome type 12. Last evaluated: 2020-09-16. Review status: no assertion criteria provided. Collection method: clinical testing. Allele origin: germline. Not counted in ClinVar's aggregate classification.

Clinical Genetics DNA and cytogenetics Diagnostics Lab, Erasmus MC, Erasmus Medical Center
Classification: Benign. Review status: no assertion criteria provided. Collection method: clinical testing. Allele origin: germline. Affected: yes. Study: VKGL Data-share Consensus. Not counted in ClinVar's aggregate classification.

Joint Genome Diagnostic Labs from Nijmegen and Maastricht, Radboudumc and MUMC+
Classification: Benign. Review status: no assertion criteria provided. Collection method: clinical testing. Allele origin: germline. Affected: yes. Study: VKGL Data-share Consensus. Not counted in ClinVar's aggregate classification.

NM_152618.3(BBS12):c.1200G>A (p.Val400=)

Gene: BBS12 (Bardet-Biedl syndrome 12; plus strand). Cytogenetic location: 4q27.
Variant type: single nucleotide variant.
Coding change: c.1200G>A on transcript NM_152618.3 (MANE Select); coding-DNA position 1200, G replaced by A.
Protein change: p.Val400=; no amino-acid change (valine 400 retained).
Molecular consequence: synonymous variant.
Genome position (GRCh38, 1-based): chr4:122,743,092, G>A. VCF-style: chr4-122743092-G-A. GRCh37 (hg19) VCF-style: chr4-123664247-G-A.
Other names: p.Val400=; c.1200G>A, p.Val400= (NM_001178007.2).
Identifiers: ClinVar variation 262669 (VCV000262669.26), dbSNP rs309371, ClinGen allele CA3069398.